The following is an entry in ClinVar:

NM_182943.3(PLOD2):c.2170C>T (p.Arg724Ter)

Gene: PLOD2 (procollagen-lysine,2-oxoglutarate 5-dioxygenase 2; minus strand). Cytogenetic location: 3q24.
Variant type: single nucleotide variant.
Coding change: c.2170C>T on transcript NM_182943.3 (MANE Select); coding-DNA position 2170, C replaced by T.
Protein change: p.Arg724Ter; replaces arginine 724 with a stop codon.
Molecular consequence: nonsense.
Genome position (GRCh38, 1-based): chr3:146,070,824, G>A on the plus strand (C>T on the coding strand, the complement: PLOD2 is on the minus strand). VCF-style: chr3-146070824-G-A. GRCh37 (hg19) VCF-style: chr3-145788611-G-A.
Other names: c.2107C>T, p.Arg703Ter (NM_000935.3); c.2170C>T (NM_182943.2); short protein forms R703*, R724*.
Identifiers: ClinVar variation 2445866 (VCV002445866.2), dbSNP rs2473215934, ClinGen allele CA354882112.

ClinVar aggregate classification (germline): Uncertain significance. Review status: criteria provided, multiple submitters, no conflicts (2 of 4 stars). 2 submissions from 2 submitters: Uncertain significance (2). Last evaluated 2024-10-07.

Allele frequency attached by ClinVar (database versions not stated): gnomAD exomes below 0.00001.
gnomAD v4.1: 4 of 1,610,318 alleles (0.00025%); highest among the groups gnomAD compares: Non-Finnish European, 0.00025%; no homozygotes.

Submissions (2):

Blueprint Genetics
Classification: Uncertain significance. Last evaluated: 2024-10-07. Review status: criteria provided, single submitter. Criteria: ACMG Guidelines, 2015. Collection method: clinical testing. Allele origin: germline.

Women's Health and Genetics/Laboratory Corporation of America, LabCorp
Classification: Uncertain significance. Last evaluated: 2023-02-15. Review status: criteria provided, single submitter. Criteria: LabCorp Variant Classification Summary - May 2015. Collection method: clinical testing. Allele origin: germline.
Comment: Variant summary: PLOD2 c.2170C>T (p.Arg724X) results in a premature termination codon, predicted to cause a truncation of the encoded protein or absence of the protein. Truncations downstream of this position have not been classified as pathogenic by our laboratory or in ClinVar. The variant was absent in 247978 control chromosomes (gnomAD). The available data on variant occurrences in the general population are insufficient to allow any conclusion about variant significance. To our knowledge, no occurrence of c.2170C>T in individuals affected with Osteogenesis Imperfecta and no experimental evidence demonstrating its impact on protein function have been reported. No clinical diagnostic laboratories have submitted clinical-significance assessments for this variant to ClinVar after 2014. Based on the evidence outlined above, the variant was classified as uncertain significance.